The following is an entry in ClinVar:

NM_003072.5(SMARCA4):c.3382+7A>G

Gene: SMARCA4 (SWI/SNF related BAF chromatin remodeling complex subunit ATPase 4; plus strand). Cytogenetic location: 19p13.2.
Variant type: single nucleotide variant.
Coding change: c.3382+7A>G on transcript NM_003072.5 (MANE Select); 7 bases into the intron after coding-DNA position 3382, A replaced by G.
Molecular consequence: intron variant.
Genome position (GRCh38, 1-based): chr19:11,027,957, A>G. VCF-style: chr19-11027957-A-G. GRCh37 (hg19) VCF-style: chr19-11138633-A-G.
Other names: c.3382+7A>G (NM_001128844.3, NM_001128849.3, NM_001128847.4 and 6 more transcripts).
Identifiers: ClinVar variation 3703021 (VCV003703021.3).

ClinVar aggregate classification (germline): Likely benign. Review status: criteria provided, multiple submitters, no conflicts (2 of 4 stars). 2 submissions from 2 submitters: Likely benign (2). Last evaluated 2026-07-07.

Conditions:
Rhabdoid tumor predisposition syndrome 2 (RTPS2). Identifiers: Orphanet 231108, Orphanet 69077, MedGen C2750074, MONDO:0013224, OMIM 613325.

gnomAD v4.1: 6 of 1,613,924 alleles (0.00037%); highest among the groups gnomAD compares: South Asian, 0.0033%; 1 homozygote.

Submissions (2):

Myriad Genetics, Inc.
Classification: Likely benign for Rhabdoid tumor predisposition syndrome 2. Last evaluated: 2026-07-07. Review status: criteria provided, single submitter. Criteria: Myriad Autosomal Dominant, Autosomal Recessive and X-Linked Classification Criteria (2023). Collection method: clinical testing. Allele origin: unknown.
Comment: This variant is considered likely benign. This variant is intronic and is not expected to impact mRNA splicing.

Labcorp Genetics (formerly Invitae), Labcorp
Classification: Likely benign for Rhabdoid tumor predisposition syndrome 2. Last evaluated: 2024-03-20. Review status: criteria provided, single submitter. Criteria: Invitae Variant Classification Sherloc (09022015). Collection method: clinical testing. Allele origin: germline.